The following is an entry in ClinVar:

NM_001429.4(EP300):c.2580A>C (p.Pro860=)

Gene: EP300 (EP300 lysine acetyltransferase; plus strand). Cytogenetic location: 22q13.2.
Variant type: single nucleotide variant.
Coding change: c.2580A>C on transcript NM_001429.4 (MANE Select); coding-DNA position 2580, A replaced by C.
Protein change: p.Pro860=; no amino-acid change (proline 860 retained).
Molecular consequence: synonymous variant.
Genome position (GRCh38, 1-based): chr22:41,149,961, A>C. VCF-style: chr22-41149961-A-C. GRCh37 (hg19) VCF-style: chr22-41545965-A-C.
Other names: c.2502A>C, p.Pro834= (NM_001362843.2).
Identifiers: ClinVar variation 2653200 (VCV002653200.24), dbSNP rs752536439, ClinGen allele CA10252903.
Genomic context (GRCh38, chr22:41,149,961, plus strand): 5'-CACCCCTCACCATACTCCCCCAAGCATAGGGGCTCAGCAGCCACCAGCAACAACAATTCC[A>C]GCCCCTGTTCCTACACCTCCTGCCATGCCACCTGGGCCACAGTCCCAGGCTCTACATCCC-3'
Protein context (NP_001420.2, residues 850-870): GAQQPPATTI[Pro860=]APVPTPPAMP

ClinVar aggregate classification (germline): Likely benign (1 of 4 stars; one submission).

gnomAD v4.1: 1 of 1,612,758 alleles (0.000062%); highest among the groups gnomAD compares: Non-Finnish European, 0.000085%; no homozygotes.

Submission:

CeGaT Center for Human Genetics Tuebingen
Classification: Likely benign. Last evaluated: 2023-06-01. Review status: criteria provided, single submitter. Criteria: CeGaT Center For Human Genetics Tuebingen Variant Classification Criteria Version 2. Collection method: clinical testing. Allele origin: germline. Affected: yes. Observed: 1 variant allele.
Comment: EP300: BP4, BP7